The following is an entry in ClinVar:

NM_001165963.4(SCN1A):c.1181C>T (p.Ala394Val)

Gene: SCN1A (sodium voltage-gated channel alpha subunit 1; minus strand). Cytogenetic location: 2q24.3.
Variant type: single nucleotide variant.
Coding change: c.1181C>T on transcript NM_001165963.4 (MANE Select); coding-DNA position 1181, C replaced by T.
Protein change: p.Ala394Val; replaces alanine 394 with valine.
Molecular consequence: missense variant. On other transcripts: 5 prime UTR variant (1), non-coding transcript variant (1).
Genome position (GRCh38, 1-based): chr2:166,046,966, G>A on the plus strand (C>T on the coding strand, the complement: SCN1A is on the minus strand). VCF-style: chr2-166046966-G-A. GRCh37 (hg19) VCF-style: chr2-166903476-G-A.
Other names: c.1181C>T, p.Ala394Val (NM_001165964.3, NM_001202435.3, NM_001353948.2 and 10 more transcripts); c.-1245C>T (NM_001353961.2); short protein forms A394V.
Identifiers: ClinVar variation 1474078 (VCV001474078.36), dbSNP rs2105862847, ClinGen allele CA349071031.
Genomic context (GRCh38, chr2:166,046,966, plus strand): 5'-AGGTAGAATGAGCCCAAGAAAATGACCAATACAAAAAATATCATGTACGTTTTCCCAGCA[G>A]CACGTAATGTCTGCAAACAAAAATATCAGAATTATTTCTCAATATTATTTCACTAAGTGG-3'
Protein context (NP_001159435.1, residues 384-404): WENLYQLTLR[Ala394Val]AGKTYMIFFV

ClinVar aggregate classification (germline): Likely pathogenic. Review status: criteria provided, multiple submitters, no conflicts (2 of 4 stars). 2 submissions from 2 submitters: Likely pathogenic (2). Last evaluated 2023-06-01.

Conditions:
Early-infantile DEE. Also called: Ohtahara syndrome; Early infantile epileptic encephalopathy; Early infantile epileptic encephalopathy with suppression bursts. Identifiers: Orphanet 1934, MedGen C0393706, MONDO:0800491.

Submissions (2):

CeGaT Center for Human Genetics Tuebingen
Classification: Likely pathogenic. Last evaluated: 2023-06-01. Review status: criteria provided, single submitter. Criteria: CeGaT Center For Human Genetics Tuebingen Variant Classification Criteria Version 2. Collection method: clinical testing. Allele origin: germline. Affected: yes. Observed: 1 variant allele.
Comment: SCN1A: PM1, PM2, PM5, PP2, PP3

Labcorp Genetics (formerly Invitae), Labcorp
Classification: Likely pathogenic for Early-infantile DEE. Last evaluated: 2022-03-03. Review status: criteria provided, single submitter. Criteria: Invitae Variant Classification Sherloc (09022015). Collection method: clinical testing. Allele origin: germline.
Comment: This variant disrupts the p.Ala394 amino acid residue in SCN1A. Other variant(s) that disrupt this residue have been observed in individuals with SCN1A-related conditions (PMID: 28084635; Invitae), which suggests that this may be a clinically significant amino acid residue. This sequence change replaces alanine, which is neutral and non-polar, with valine, which is neutral and non-polar, at codon 394 of the SCN1A protein (p.Ala394Val). This variant is not present in population databases (gnomAD no frequency). This missense change has been observed in individual(s) with clinical features of SCN1A-related conditions (Invitae). Advanced modeling of protein sequence and biophysical properties (such as structural, functional, and spatial information, amino acid conservation, physicochemical variation, residue mobility, and thermodynamic stability) performed at Invitae indicates that this missense variant is expected to disrupt SCN1A protein function. In summary, the currently available evidence indicates that the variant is pathogenic, but additional data are needed to prove that conclusively. Therefore, this variant has been classified as Likely Pathogenic.

Literature cited by the submitters: PubMed 28084635 (cited by Labcorp Genetics (formerly Invitae), Labcorp).